The following is an entry in ClinVar:

NM_000361.3(THBD):c.1089G>T (p.Val363=)

Gene: THBD (thrombomodulin; minus strand). Cytogenetic location: 20p11.21.
Variant type: single nucleotide variant.
Coding change: c.1089G>T on transcript NM_000361.3 (MANE Select); coding-DNA position 1089, G replaced by T.
Protein change: p.Val363=; no amino-acid change (valine 363 retained).
Molecular consequence: synonymous variant.
Genome position (GRCh38, 1-based): chr20:23,048,416, C>A on the plus strand (G>T on the coding strand, the complement: THBD is on the minus strand). VCF-style: chr20-23048416-C-A. GRCh37 (hg19) VCF-style: chr20-23029053-C-A.
Identifiers: ClinVar variation 4760943 (VCV004760943.1).

ClinVar aggregate classification (germline): Uncertain significance (1 of 4 stars; one submission).

gnomAD v4.1: 10 of 1,613,852 alleles (0.00062%); highest among the groups gnomAD compares: Non-Finnish European, 0.00085%; no homozygotes.

Submission:

Labcorp Genetics (formerly Invitae), Labcorp
Classification: Uncertain significance. Last evaluated: 2025-07-20. Review status: criteria provided, single submitter. Criteria: Invitae Variant Classification Sherloc (09022015). Collection method: clinical testing. Allele origin: germline.
Comment: This sequence change affects codon 363 of the THBD mRNA. It is a 'silent' change, meaning that it does not change the encoded amino acid sequence of the THBD protein. This variant is present in population databases (no rsID available, gnomAD 0.007%). This variant has not been reported in the literature in individuals affected with THBD-related conditions. In summary, the available evidence is currently insufficient to determine the role of this variant in disease. Therefore, it has been classified as a Variant of Uncertain Significance.